The following is an entry in ClinVar:

NM_004304.5(ALK):c.1639C>G (p.Pro547Ala)

Gene: ALK (ALK receptor tyrosine kinase; minus strand). Cytogenetic location: 2p23.2.
Variant type: single nucleotide variant.
Coding change: c.1639C>G on transcript NM_004304.5 (MANE Select); coding-DNA position 1639, C replaced by G.
Protein change: p.Pro547Ala; replaces proline 547 with alanine.
Molecular consequence: missense variant.
Genome position (GRCh38, 1-based): chr2:29,318,312, G>C on the plus strand (C>G on the coding strand, the complement: ALK is on the minus strand). VCF-style: chr2-29318312-G-C. GRCh37 (hg19) VCF-style: chr2-29541178-G-C.
Other names: c.1639C>G (NM_004304.4); short protein forms P547A.
Identifiers: ClinVar variation 1449527 (VCV001449527.10), dbSNP rs2148247961, ClinGen allele CA346470820.

ClinVar aggregate classification (germline): Uncertain significance. Review status: criteria provided, multiple submitters, no conflicts (2 of 4 stars). 2 submissions from 2 submitters: Uncertain significance (2). Last evaluated 2025-11-25.

Conditions:
Hereditary cancer-predisposing syndrome. Also called: Tumor predisposition; Hereditary neoplastic syndrome; Hereditary Cancer Syndrome; Neoplastic Syndromes, Hereditary. Identifiers: Orphanet 140162, MedGen C0027672, MeSH D009386, MONDO:0015356.
Neuroblastoma, susceptibility to, 3. Also called: ALK-Related Neuroblastic Tumor Susceptibility. Identifiers: Orphanet 635, MedGen C2751681, MONDO:0013083, OMIM 613014.

gnomAD v4.1: 1 of 1,612,552 alleles (0.000062%); highest among the groups gnomAD compares: Non-Finnish European, 0.000085%; no homozygotes.

Submissions (2):

Ambry Genetics
Classification: Uncertain significance for Hereditary cancer-predisposing syndrome. Last evaluated: 2025-11-25. Review status: criteria provided, single submitter. Criteria: Ambry Variant Classification Scheme 2023. Collection method: clinical testing. Allele origin: germline.
Comment: The p.P547A variant (also known as c.1639C>G), located in coding exon 8 of the ALK gene, results from a C to G substitution at nucleotide position 1639. The proline at codon 547 is replaced by alanine, an amino acid with highly similar properties. This amino acid position is conserved. In addition, this alteration is predicted to be tolerated by in silico analysis. Since supporting evidence is limited at this time, the clinical significance of this alteration remains unclear.

Labcorp Genetics (formerly Invitae), Labcorp
Classification: Uncertain significance for Neuroblastoma, susceptibility to, 3. Last evaluated: 2020-11-17. Review status: criteria provided, single submitter. Criteria: Invitae Variant Classification Sherloc (09022015). Collection method: clinical testing. Allele origin: germline.
Comment: This sequence change replaces proline with alanine at codon 547 of the ALK protein (p.Pro547Ala). The proline residue is highly conserved and there is a small physicochemical difference between proline and alanine. This variant is not present in population databases (ExAC no frequency). This variant has not been reported in the literature in individuals with ALK-related conditions. Algorithms developed to predict the effect of missense changes on protein structure and function are either unavailable or do not agree on the potential impact of this missense change (SIFT: "Tolerated"; PolyPhen-2: "Possibly Damaging"; Align-GVGD: "Class C0"). In summary, the available evidence is currently insufficient to determine the role of this variant in disease. Therefore, it has been classified as a Variant of Uncertain Significance.